The following is an entry in ClinVar:

ClinVar aggregate classification (germline): Uncertain significance. Review status: criteria provided, multiple submitters, no conflicts (2 of 4 stars). 3 submissions from 3 submitters: Uncertain significance (3). Last evaluated 2025-11-03.

Conditions:
Cataract 22 multiple types. Also called: Cataract 22; CATARACT 22, NUCLEAR, AUTOSOMAL RECESSIVE; CATARACT 22, MULTIPLE TYPES, AUTOSOMAL DOMINANT. Identifiers: Orphanet 91492, MedGen C1857853, MONDO:0012336, OMIM 609741.

Allele frequency attached by ClinVar (database versions not stated): ExAC 0.00002; gnomAD 0.00004; gnomAD exomes 0.00004 and 0.00008; TOPMed 0.00005.
gnomAD v4.1: 131 of 1,613,340 alleles (0.0081%); highest among the groups gnomAD compares: Middle Eastern, 0.016%; no homozygotes.

Submissions (3):

Labcorp Genetics (formerly Invitae), Labcorp
Classification: Uncertain significance for Cataract 22 multiple types. Last evaluated: 2025-11-03. Review status: criteria provided, single submitter. Criteria: Invitae Variant Classification Sherloc (09022015). Collection method: clinical testing. Allele origin: germline.
Comment: This sequence change replaces arginine, which is basic and polar, with cysteine, which is neutral and slightly polar, at codon 169 of the CRYBB3 protein (p.Arg169Cys). This variant is present in population databases (rs755475309, gnomAD 0.008%). This variant has not been reported in the literature in individuals affected with CRYBB3-related conditions. ClinVar contains an entry for this variant (Variation ID: 900829). An algorithm developed to predict the effect of missense changes on protein structure and function (PolyPhen-2) suggests that this variant is likely to be tolerated. In summary, the available evidence is currently insufficient to determine the role of this variant in disease. Therefore, it has been classified as a Variant of Uncertain Significance.

Department of Pathology and Laboratory Medicine, Sinai Health System
Classification: Uncertain significance for cataract 22 multiple types. Last evaluated: 2023-01-21. Review status: criteria provided, single submitter. Criteria: ACMG Guidelines, 2015. Collection method: research. Allele origin: germline.

Illumina Laboratory Services, Illumina
Classification: Uncertain significance for Cataract 22 multiple types. Last evaluated: 2018-01-13. Review status: criteria provided, single submitter. Criteria: ICSL Variant Classification Criteria 13 December 2019. Collection method: clinical testing. Allele origin: germline.

NM_004076.5(CRYBB3):c.505C>T (p.Arg169Cys)

Gene: CRYBB3 (crystallin beta B3; plus strand). Cytogenetic location: 22q11.23.
Variant type: single nucleotide variant.
Coding change: c.505C>T on transcript NM_004076.5 (MANE Select); coding-DNA position 505, C replaced by T.
Protein change: p.Arg169Cys; replaces arginine 169 with cysteine.
Molecular consequence: missense variant.
Genome position (GRCh38, 1-based): chr22:25,207,081, C>T. VCF-style: chr22-25207081-C-T. GRCh37 (hg19) VCF-style: chr22-25603048-C-T.
Other names: short protein forms R169C.
Identifiers: ClinVar variation 900829 (VCV000900829.6), dbSNP rs755475309, ClinGen allele CA10157831.